The following is an entry in ClinVar:

ClinVar aggregate classification (germline): Uncertain significance (1 of 4 stars; one submission).

Submission:

Women's Health and Genetics/Laboratory Corporation of America, LabCorp
Classification: Uncertain significance. Last evaluated: 2024-09-05. Review status: criteria provided, single submitter. Criteria: LabCorp Variant Classification Summary - May 2015. Collection method: clinical testing. Allele origin: germline.
Comment: Variant summary: The variant involves the duplication of exon 13 in the CFTR gene. A presumed nomenclature of c.(1679+1_1680-1)_(1766+1_1767-1)dup has been designated for the purposes of this classification. It is assumed to be a tandem duplication in direct orientation (PMIDs: 25640679, 30054569). This Copy Number Variant (CNV) is predicted to result in an in-frame duplication within this gene. The variant was absent in 21694 control chromosomes in the gnomAD database (Structural Variants v2.1 dataset). The available data on variant occurrences in the general population are insufficient to allow any conclusion about variant significance. To our knowledge, no occurrence of exon 13 duplication in individuals affected with Cystic Fibrosis and no experimental evidence demonstrating its impact on protein function have been reported. No submitters have cited clinical-significance assessments for this variant to ClinVar. Based on the evidence outlined above, the variant was classified as uncertain significance.

NC_000007.13:g.(117227888_117230406)_(117230494_117231987)dup

Gene: CFTR (CF transmembrane conductance regulator; plus strand). Cytogenetic location: 7q31.2.
Variant type: Duplication.
Identifiers: ClinVar variation 2581164 (VCV002581164.2).